The following is an entry in ClinVar:

NM_005045.4(RELN):c.7668G>C (p.Gly2556=)

Gene: RELN (reelin; minus strand). Cytogenetic location: 7q22.1.
Variant type: single nucleotide variant.
Coding change: c.7668G>C on transcript NM_005045.4 (MANE Select); coding-DNA position 7668, G replaced by C.
Protein change: p.Gly2556=; no amino-acid change (glycine 2556 retained).
Molecular consequence: synonymous variant.
Genome position (GRCh38, 1-based): chr7:103,522,022, C>G on the plus strand (G>C on the coding strand, the complement: RELN is on the minus strand). VCF-style: chr7-103522022-C-G. GRCh37 (hg19) VCF-style: chr7-103162469-C-G.
Other names: c.7668G>C, p.Gly2556= (NM_173054.3).
Identifiers: ClinVar variation 542559 (VCV000542559.6), dbSNP rs1554369642, ClinGen allele CA457030224.

ClinVar aggregate classification (germline): Uncertain significance (1 of 4 stars; one submission).

Conditions:
Familial temporal lobe epilepsy 7. Identifiers: Orphanet 101046, MedGen C4225327, MONDO:0014639, OMIM 616436.
Norman-Roberts syndrome (LIS2). Also called: Lissencephaly 2 (Norman-Roberts type). Identifiers: Orphanet 89844, MedGen C0796089, MONDO:0009760, OMIM 257320.

Submission:

Labcorp Genetics (formerly Invitae), Labcorp
Classification: Uncertain significance for Familial temporal lobe epilepsy 7; Norman-Roberts syndrome. Last evaluated: 2022-09-20. Review status: criteria provided, single submitter. Criteria: Invitae Variant Classification Sherloc (09022015). Collection method: clinical testing. Allele origin: germline.
Comment: This variant is not present in population databases (gnomAD no frequency). This sequence change affects codon 2556 of the RELN mRNA. It is a 'silent' change, meaning that it does not change the encoded amino acid sequence of the RELN protein. This variant also falls at the last nucleotide of exon 48, which is part of the consensus splice site for this exon. This variant has not been reported in the literature in individuals affected with RELN-related conditions. In summary, the available evidence is currently insufficient to determine the role of this variant in disease. Therefore, it has been classified as a Variant of Uncertain Significance. Variants that disrupt the consensus splice site are a relatively common cause of aberrant splicing (PMID: 17576681, 9536098). Algorithms developed to predict the effect of sequence changes on RNA splicing suggest that this variant is not likely to affect RNA splicing. ClinVar contains an entry for this variant (Variation ID: 542559).

Literature cited by the submitters: PubMed 17576681; PubMed 9536098.